The following is an entry in ClinVar:

ClinVar aggregate classification (germline): Uncertain significance (1 of 4 stars; one submission).

Conditions:
MEGF8-related Carpenter syndrome. Also called: Carpenter syndrome 2. Identifiers: Orphanet 65759, MedGen C3554247, MONDO:0013998, OMIM 614976.

gnomAD v4.1: 9 of 1,566,734 alleles (0.00057%); highest among the groups gnomAD compares: African/African-American, 0.0014%; no homozygotes.

Submission:

Labcorp Genetics (formerly Invitae), Labcorp
Classification: Uncertain significance for MEGF8-related Carpenter syndrome. Last evaluated: 2025-02-10. Review status: criteria provided, single submitter. Criteria: Invitae Variant Classification Sherloc (09022015). Collection method: clinical testing. Allele origin: germline.
Comment: This sequence change replaces serine, which is neutral and polar, with leucine, which is neutral and non-polar, at codon 1497 of the MEGF8 protein (p.Ser1497Leu). This variant is present in population databases (rs758739283, gnomAD 0.004%). This variant has not been reported in the literature in individuals affected with MEGF8-related conditions. An algorithm developed to predict the effect of missense changes on protein structure and function outputs the following: PolyPhen-2: "Benign". The leucine amino acid residue is found in multiple mammalian species, which suggests that this missense change does not adversely affect protein function. In summary, the available evidence is currently insufficient to determine the role of this variant in disease. Therefore, it has been classified as a Variant of Uncertain Significance.

NM_001271938.2(MEGF8):c.4691C>T (p.Ser1564Leu)

Gene: MEGF8 (multiple EGF like domains 8; plus strand). Cytogenetic location: 19q13.2.
Variant type: single nucleotide variant.
Coding change: c.4691C>T on transcript NM_001271938.2 (MANE Select); coding-DNA position 4691, C replaced by T.
Protein change: p.Ser1564Leu; replaces serine 1564 with leucine.
Molecular consequence: missense variant.
Genome position (GRCh38, 1-based): chr19:42,356,842, C>T. VCF-style: chr19-42356842-C-T. GRCh37 (hg19) VCF-style: chr19-42860994-C-T.
Other names: c.4490C>T, p.Ser1497Leu (NM_001410.3); short protein forms S1564L, S1497L.
Identifiers: ClinVar variation 4744510 (VCV004744510.1).
Genomic context (GRCh38, chr19:42,356,842, plus strand): 5'-TGAGTGAGCGGCGGTGGACACAGATGCTGGCGGGAGCCGAGGACGGGGGCCCAGGCCCAT[C>T]GCCCCGCTCCTTCCATGCAGCCGCATATGTGCCCGCTGGCCGTGGTGCCATGTATCTGCT-3'
Protein context (NP_001258867.1, residues 1554-1574): AGAEDGGPGP[Ser1564Leu]PRSFHAAAYV